The following is an entry in ClinVar:

NM_032578.4(MYPN):c.2598G>T (p.Lys866Asn)

Gene: MYPN (myopalladin; plus strand). Cytogenetic location: 10q21.3.
Variant type: single nucleotide variant.
Coding change: c.2598G>T on transcript NM_032578.4 (MANE Select); coding-DNA position 2598, G replaced by T.
Protein change: p.Lys866Asn; replaces lysine 866 with asparagine.
Molecular consequence: missense variant. On other transcripts: non-coding transcript variant (1).
Genome position (GRCh38, 1-based): chr10:68,175,356, G>T. VCF-style: chr10-68175356-G-T. GRCh37 (hg19) VCF-style: chr10-69935113-G-T.
Other names: c.2598G>T, p.Lys866Asn (NM_001256267.2); c.1716G>T, p.Lys572Asn (NM_001256268.2); c.2598G>T (NM_032578.2); short protein forms K572N, K866N.
Identifiers: ClinVar variation 965361 (VCV000965361.10), dbSNP rs763397921, ClinGen allele CA5522827.

ClinVar aggregate classification (germline): Uncertain significance. Review status: criteria provided, multiple submitters, no conflicts (2 of 4 stars). 2 submissions from 2 submitters: Uncertain significance (2). Last evaluated 2025-12-30.

Conditions:
Dilated cardiomyopathy 1KK (CMD1KK). Identifiers: Orphanet 154, Orphanet 75249, MedGen C3714995, MONDO:0014100, OMIM 615248.
Cardiovascular phenotype. Identifiers: MedGen CN230736.

Allele frequency attached by ClinVar (database versions not stated): gnomAD exomes below 0.00001; ExAC 0.00001; gnomAD 0.00001.
gnomAD v4.1: 7 of 1,613,936 alleles (0.00043%); highest among the groups gnomAD compares: Non-Finnish European, 0.00059%; no homozygotes.

Submissions (2):

Ambry Genetics
Classification: Uncertain significance for Cardiovascular phenotype. Last evaluated: 2025-12-30. Review status: criteria provided, single submitter. Criteria: Ambry Variant Classification Scheme 2023. Collection method: clinical testing. Allele origin: germline.
Comment: The p.K866N variant (also known as c.2598G>T), located in coding exon 11 of the MYPN gene, results from a G to T substitution at nucleotide position 2598. The lysine at codon 866 is replaced by asparagine, an amino acid with similar properties. This amino acid position is conserved. In addition, this alteration is predicted to be tolerated by in silico analysis. Based on the available evidence, the clinical significance of this variant remains unclear.

Labcorp Genetics (formerly Invitae), Labcorp
Classification: Uncertain significance for Dilated cardiomyopathy 1KK. Last evaluated: 2022-10-25. Review status: criteria provided, single submitter. Criteria: Invitae Variant Classification Sherloc (09022015). Collection method: clinical testing. Allele origin: germline.
Comment: ClinVar contains an entry for this variant (Variation ID: 965361). Algorithms developed to predict the effect of missense changes on protein structure and function are either unavailable or do not agree on the potential impact of this missense change (SIFT: "Deleterious"; PolyPhen-2: "Benign"; Align-GVGD: "Class C35"). In summary, the available evidence is currently insufficient to determine the role of this variant in disease. Therefore, it has been classified as a Variant of Uncertain Significance. This variant has not been reported in the literature in individuals affected with MYPN-related conditions. This sequence change replaces lysine, which is basic and polar, with asparagine, which is neutral and polar, at codon 866 of the MYPN protein (p.Lys866Asn). This variant is present in population databases (rs763397921, gnomAD 0.0009%).